The following is an entry in ClinVar:

ClinVar aggregate classification (germline): Likely benign. Review status: criteria provided, single submitter (1 of 4 stars). 2 submissions from 2 submitters: Likely benign (1). 1 of the submissions does not count toward it. Last evaluated 2023-12-10.

Conditions:
KMT2D-related disorder. Also called: KMT2D-Related Disorders.
Kabuki syndrome. Also called: NIIKAWA-KUROKI SYNDROME; Kabuki make-up syndrome. Identifiers: Orphanet 2322, MedGen C0796004, MONDO:0016512.

Submissions (2):

Labcorp Genetics (formerly Invitae), Labcorp
Classification: Likely benign for Kabuki syndrome. Last evaluated: 2023-12-10. Review status: criteria provided, single submitter. Criteria: Invitae Variant Classification Sherloc (09022015). Collection method: clinical testing. Allele origin: germline.

PreventionGenetics, part of Exact Sciences
Classification: Likely benign for KMT2D-related condition. Last evaluated: 2021-07-21. Review status: no assertion criteria provided. Collection method: clinical testing. Allele origin: germline. Not counted in ClinVar's aggregate classification.
Comment: This variant is classified as likely benign based on ACMG/AMP sequence variant interpretation guidelines (Richards et al. 2015 PMID: 25741868, with internal and published modifications).

NM_003482.4(KMT2D):c.1259-17TGT[2]

Gene: KMT2D (lysine methyltransferase 2D; minus strand). Cytogenetic location: 12q13.12.
Variant type: Microsatellite.
Coding change: c.1259-17TGT[2] on transcript NM_003482.4 (MANE Select); two copies in a row of the 3-base unit TGT starting at c.1259-17; the reference has three copies in a row; one copy, 3 bases deleted.
Molecular consequence: intron variant.
Genome position (GRCh38, 1-based): chr12:49,052,433-49,052,435, ACA deleted on the plus strand (TGT on the coding strand, the reverse complement: KMT2D is on the minus strand); deleting any 3 consecutive bases within chr12:49,052,433-49,052,441 gives the same sequence; the position shown is the placement nearest the transcript's 3' end. VCF-style (leftmost placement, unchanged base first): chr12-49052432-CACA-C. GRCh37 (hg19) VCF-style: chr12-49446215-CACA-C.
Other names: c.1259-11_1259-9delTGT (NM_003482.3).
Identifiers: ClinVar variation 1560916 (VCV001560916.10), dbSNP rs750578681, ClinGen allele CA6548522.
Genomic context (GRCh38, chr12:49,052,432, plus strand): 5'-CTCCTCGTTTAGGGGGGCCTCCAACTGGGGCTCAAGTTGGACCCCTGCTTTCCCTGCAGA[CACA>C]ACAACACGATGCTCCTATCTAGCTCAGATCTACTCCACAGAAAGTGTGGGGTCTGGGGCA-3'